The following is an entry in ClinVar:

ClinVar aggregate classification (germline): Uncertain significance (1 of 4 stars; one submission).

Conditions:
Cornelia de Lange syndrome 1 (CDLS1). Also called: Brachmann de Lange syndrome; NIPBL-Related Cornelia de Lange Syndrome; TYPUS DEGENERATIVUS AMSTELODAMENSIS. Identifiers: Orphanet 199, MedGen C4551851, MONDO:0007387, OMIM 122470.

Submission:

Labcorp Genetics (formerly Invitae), Labcorp
Classification: Uncertain significance for Cornelia de Lange syndrome 1. Last evaluated: 2024-12-10. Review status: criteria provided, single submitter. Criteria: Invitae Variant Classification Sherloc (09022015). Collection method: clinical testing. Allele origin: germline.
Comment: This sequence change replaces lysine, which is basic and polar, with arginine, which is basic and polar, at codon 823 of the NIPBL protein (p.Lys823Arg). This variant is not present in population databases (gnomAD no frequency). This variant has not been reported in the literature in individuals affected with NIPBL-related conditions. Invitae Evidence Modeling of protein sequence and biophysical properties (such as structural, functional, and spatial information, amino acid conservation, physicochemical variation, residue mobility, and thermodynamic stability) indicates that this missense variant is not expected to disrupt NIPBL protein function with a negative predictive value of 95%. In summary, the available evidence is currently insufficient to determine the role of this variant in disease. Therefore, it has been classified as a Variant of Uncertain Significance.

NM_133433.4(NIPBL):c.2468A>G (p.Lys823Arg)

Gene: NIPBL (NIPBL cohesin loading factor; plus strand). Cytogenetic location: 5p13.2.
Variant type: single nucleotide variant.
Coding change: c.2468A>G on transcript NM_133433.4 (MANE Select); coding-DNA position 2468, A replaced by G.
Protein change: p.Lys823Arg; replaces lysine 823 with arginine.
Molecular consequence: missense variant.
Genome position (GRCh38, 1-based): chr5:36,985,648, A>G. VCF-style: chr5-36985648-A-G. GRCh37 (hg19) VCF-style: chr5-36985750-A-G.
Other names: c.2468A>G, p.Lys823Arg (NM_015384.5); short protein forms K823R.
Identifiers: ClinVar variation 3637069 (VCV003637069.2).
Genomic context (GRCh38, chr5:36,985,648, plus strand): 5'-AGAGACCTGATGGGCGATCTGTTTCTGAGTCACTAAGACGTGACCATGATAATAAACAAA[A>G]ATCAGATGACAGGGGTGAATCAGAGCGACATCGAGGGGATCAGTCTAGGGTTCGAAGACC-3'
Protein context (NP_597677.2, residues 813-833): SLRRDHDNKQ[Lys823Arg]SDDRGESERH